The following is an entry in ClinVar:

NC_000006.12:g.(1713354_4870965)inv

Gene: FOXC1 (forkhead box C1; plus strand).
Variant type: Inversion.
Identifiers: ClinVar variation 4796500 (VCV004796500.1).

ClinVar aggregate classification (germline): Likely pathogenic (1 of 4 stars; one submission).

Conditions:
Axenfeld-Rieger syndrome. Identifiers: Orphanet 782, MedGen C3495488, MONDO:0019187.

Submission:

Genetics Department, University Hospital of Toulouse
Classification: Likely pathogenic for Axenfeld-Rieger syndrome. Last evaluated: 2025-10-05. Review status: criteria provided, single submitter. Criteria: ACMG/ClinGen CNV Guidelines, 2019. Collection method: clinical testing. Allele origin: de novo. Affected: yes.
Comment: The de novo inversion disrupt regulatory sequences of FOXC1 associated with monoallelic expression (PMID:38473917)

Literature cited by the submitters: PubMed 38473917.